The following is an entry in ClinVar:

Conditions:
Breast-ovarian cancer, familial, susceptibility to, 1 (BROVCA1). Also called: BRCA1 Hereditary Breast and Ovarian Cancer; OVARIAN CANCER, SUSCEPTIBILITY TO. Identifiers: Orphanet 145, MedGen C2676676, MONDO:0011450, OMIM 604370. Disease mechanism: loss of function.

Submission:

Brotman Baty Institute, University of Washington
No classification provided (evidence only). Condition: Breast-ovarian cancer, familial 1. Review status: no classification provided. Collection method: in vitro. Allele origin: not applicable. Functional consequence: functionally_normal.
ClinVar note: "not provided" was previously submitted as the classification for the variant. However, the classification appeared to be based only on an observation of functional data so it was converted to no classification on 2025-07-30.

NM_007294.4(BRCA1):c.184C>G (p.Pro62Ala)

Gene: BRCA1 (BRCA1 DNA repair associated; minus strand). Cytogenetic location: 17q21.31.
Variant type: single nucleotide variant.
Coding change: c.184C>G on transcript NM_007294.4 (MANE Select); coding-DNA position 184, C replaced by G.
Protein change: p.Pro62Ala; replaces proline 62 with alanine.
Molecular consequence: missense variant. On other transcripts: non-coding transcript variant (1).
Genome position (GRCh38, 1-based): chr17:43,106,484, G>C on the plus strand (C>G on the coding strand, the complement: BRCA1 is on the minus strand). VCF-style: chr17-43106484-G-C. GRCh37 (hg19) VCF-style: chr17-41258501-G-C.
Other names: c.184C>G, p.Pro62Ala (NM_001408444.1, NM_001408445.1, NM_001408446.1 and 168 more transcripts); c.43C>G, p.Pro15Ala (NM_001408452.1, NM_001408453.1, NM_001408454.1 and 99 more transcripts); c.-5C>G (NM_001408484.1, NM_001408485.1, NM_001408489.1 and 58 more transcripts); short protein forms P62A, P15A.
Identifiers: ClinVar variation 868255 (VCV000868255.3), dbSNP rs2054779515, ClinGen allele CA10601795.